The following is an entry in ClinVar:

ClinVar aggregate classification (germline): Uncertain significance. Review status: criteria provided, multiple submitters, no conflicts (2 of 4 stars). 3 submissions from 3 submitters: Uncertain significance (3). Last evaluated 2025-11-26.

Conditions:
Hereditary cancer-predisposing syndrome. Also called: Tumor predisposition; Neoplastic Syndromes, Hereditary; Hereditary Cancer Syndrome; Hereditary neoplastic syndrome. Identifiers: Orphanet 140162, MedGen C0027672, MeSH D009386, MONDO:0015356.
Fanconi anemia complementation group O. Also called: RAD51C-Related Fanconi Anemia. Identifiers: Orphanet 84, MedGen C3150653, MONDO:0013248, OMIM 613390.

Allele frequency attached by ClinVar (database versions not stated): TOPMed below 0.00001; gnomAD 0.00001.
gnomAD v4.1: 2 of 1,614,114 alleles (0.00012%); highest among the groups gnomAD compares: Non-Finnish European, 0.000085%; no homozygotes.

Submissions (3):

Ambry Genetics
Classification: Uncertain significance for Hereditary cancer-predisposing syndrome. Last evaluated: 2025-11-26. Review status: criteria provided, single submitter. Criteria: Ambry Variant Classification Scheme 2023. Collection method: clinical testing. Allele origin: germline.
Comment: The p.L46F variant (also known as c.136C>T), located in coding exon 1 of the RAD51C gene, results from a C to T substitution at nucleotide position 136. The leucine at codon 46 is replaced by phenylalanine, an amino acid with highly similar properties. This amino acid position is conserved. In addition, the in silico prediction for this alteration is inconclusive. Based on the available evidence, the clinical significance of this variant remains unclear.

Labcorp Genetics (formerly Invitae), Labcorp
Classification: Uncertain significance for Fanconi anemia complementation group O. Last evaluated: 2024-08-21. Review status: criteria provided, single submitter. Criteria: Invitae Variant Classification Sherloc (09022015). Collection method: clinical testing. Allele origin: germline.
Comment: This sequence change replaces leucine, which is neutral and non-polar, with phenylalanine, which is neutral and non-polar, at codon 46 of the RAD51C protein (p.Leu46Phe). This variant is not present in population databases (gnomAD no frequency). This variant has not been reported in the literature in individuals affected with RAD51C-related conditions. ClinVar contains an entry for this variant (Variation ID: 490121). Invitae Evidence Modeling of protein sequence and biophysical properties (such as structural, functional, and spatial information, amino acid conservation, physicochemical variation, residue mobility, and thermodynamic stability) indicates that this missense variant is expected to disrupt RAD51C protein function with a positive predictive value of 80%. In summary, the available evidence is currently insufficient to determine the role of this variant in disease. Therefore, it has been classified as a Variant of Uncertain Significance.

Color Diagnostics, LLC DBA Color Health
Classification: Uncertain significance for Hereditary cancer-predisposing syndrome. Last evaluated: 2023-12-05. Review status: criteria provided, single submitter. Criteria: ACMG Guidelines, 2015. Collection method: clinical testing. Allele origin: germline.
Comment: This missense variant replaces leucine with phenylalanine at codon 46 of the RAD51C protein. Computational prediction suggests that this variant may not impact protein structure and function (internally defined REVEL score threshold <= 0.5, PMID: 27666373). To our knowledge, functional studies have not been reported for this variant. This variant has not been reported in individuals affected with RAD51C-related disorders in the literature. This variant has not been identified in the general population by the Genome Aggregation Database (gnomAD). The available evidence is insufficient to determine the role of this variant in disease conclusively. Therefore, this variant is classified as a Variant of Uncertain Significance.

NM_058216.3(RAD51C):c.136C>T (p.Leu46Phe)

Gene: RAD51C (RAD51 paralog C; plus strand). Cytogenetic location: 17q22.
Variant type: single nucleotide variant.
Coding change: c.136C>T on transcript NM_058216.3 (MANE Select); coding-DNA position 136, C replaced by T.
Protein change: p.Leu46Phe; replaces leucine 46 with phenylalanine.
Molecular consequence: missense variant. On other transcripts: non-coding transcript variant (1).
Genome position (GRCh38, 1-based): chr17:58,692,779, C>T. VCF-style: chr17-58692779-C-T. GRCh37 (hg19) VCF-style: chr17-56770140-C-T.
Other names: c.136C>T, p.Leu46Phe (NM_002876.4); c.136C>T (NM_058216.1); short protein forms L46F.
Identifiers: ClinVar variation 490121 (VCV000490121.9), dbSNP rs1423724305, ClinGen allele CA400337758.